The following is an entry in ClinVar:

NM_001395159.1(UNC79):c.7955A>G (p.Gln2652Arg)

Gene: UNC79 (unc-79 subunit of NALCN channel complex; plus strand). Cytogenetic location: 14q32.12.
Variant type: single nucleotide variant.
Coding change: c.7955A>G on transcript NM_001395159.1 (MANE Select); coding-DNA position 7955, A replaced by G.
Protein change: p.Gln2652Arg; replaces glutamine 2652 with arginine.
Molecular consequence: missense variant.
Genome position (GRCh38, 1-based): chr14:93,706,735, A>G. VCF-style: chr14-93706735-A-G. GRCh37 (hg19) VCF-style: chr14-94173081-A-G.
Other names: c.7208A>G, p.Gln2403Arg (NM_020818.5); c.7889A>G, p.Gln2630Arg (NM_001346218.2); short protein forms Q2403R, Q2630R, Q2652R.
Identifiers: ClinVar variation 5037129 (VCV005037129.1).
Genomic context (GRCh38, chr14:93,706,735, plus strand): 5'-AACTAAAACCTCTTGCCCTTTTTCGACAGCACTTATCTGCGGGACTCCAGCTTCGCCTCC[A>G]GGCTATTCAGAACCACGTGAACCACCACAGCCTAAGGACGCTGCCGGGCTCGGGCCAGAG-3'
Protein context (NP_001382088.1, residues 2642-2662): HLSAGLQLRL[Gln2652Arg]AIQNHVNHHS

ClinVar aggregate classification (germline): Uncertain significance (1 of 4 stars; one submission).

gnomAD v4.1: 2 of 1,614,116 alleles (0.00012%); highest among the groups gnomAD compares: Non-Finnish European, 0.00017%; no homozygotes.

Submission:

GeneDx
Classification: Uncertain significance. Last evaluated: 2026-04-13. Review status: criteria provided, single submitter. Criteria: GeneDx Variant Classification Process June 2021. Collection method: clinical testing. Allele origin: germline.
Comment: In silico analysis supports that this missense variant has a deleterious effect on protein structure/function; Has not been previously published as pathogenic or benign to our knowledge